The following is an entry in ClinVar:

NM_032444.4(SLX4):c.1457G>A (p.Arg486His)

Gene: SLX4 (SLX4 structure-specific endonuclease subunit; minus strand). Cytogenetic location: 16p13.3.
Variant type: single nucleotide variant.
Coding change: c.1457G>A on transcript NM_032444.4 (MANE Select); coding-DNA position 1457, G replaced by A.
Protein change: p.Arg486His; replaces arginine 486 with histidine.
Molecular consequence: missense variant.
Genome position (GRCh38, 1-based): chr16:3,597,605, C>T on the plus strand (G>A on the coding strand, the complement: SLX4 is on the minus strand). VCF-style: chr16-3597605-C-T. GRCh37 (hg19) VCF-style: chr16-3647606-C-T.
Other names: c.1457G>A (LRG_503t1); short protein forms R486H.
Identifiers: ClinVar variation 641989 (VCV000641989.7), dbSNP rs558236399, ClinGen allele CA276964537.

ClinVar aggregate classification (germline): Uncertain significance (1 of 4 stars; one submission).

Conditions:
Fanconi anemia (FA). Also called: Fanconi's anemia. Identifiers: Orphanet 84, MedGen C0015625, MeSH D005199, MONDO:0019391.

Allele frequency attached by ClinVar (database versions not stated): gnomAD 0.00001; gnomAD exomes 0.00001; TOPMed 0.00002; 1000 Genomes Project 30x 0.00016; 1000 Genomes Project 0.00020.
gnomAD v4.1: 13 of 1,614,116 alleles (0.00081%); highest among the groups gnomAD compares: East Asian, 0.0067%; no homozygotes.

Submission:

Labcorp Genetics (formerly Invitae), Labcorp
Classification: Uncertain significance for Fanconi anemia. Last evaluated: 2025-07-06. Review status: criteria provided, single submitter. Criteria: Invitae Variant Classification Sherloc (09022015). Collection method: clinical testing. Allele origin: germline.
Comment: This sequence change replaces arginine, which is basic and polar, with histidine, which is basic and polar, at codon 486 of the SLX4 protein (p.Arg486His). This variant is present in population databases (rs558236399, gnomAD 0.01%). This missense change has been observed in individual(s) with breast cancer (PMID: 26824983). ClinVar contains an entry for this variant (Variation ID: 641989). An algorithm developed to predict the effect of missense changes on protein structure and function (PolyPhen-2) suggests that this variant is likely to be disruptive. In summary, the available evidence is currently insufficient to determine the role of this variant in disease. Therefore, it has been classified as a Variant of Uncertain Significance.

Literature cited by the submitters: PubMed 26824983.